The following is an entry in ClinVar:

NM_001356.5(DDX3X):c.1037T>C (p.Leu346Ser)

Gene: DDX3X (DEAD-box helicase 3 X-linked; plus strand). Cytogenetic location: Xp11.4.
Variant type: single nucleotide variant.
Coding change: c.1037T>C on transcript NM_001356.5 (MANE Select); coding-DNA position 1037, T replaced by C.
Protein change: p.Leu346Ser; replaces leucine 346 with serine.
Molecular consequence: missense variant. On other transcripts: non-coding transcript variant (1).
Genome position (GRCh38, 1-based): chrX:41,345,191, T>C. VCF-style: chrX-41345191-T-C. GRCh37 (hg19) VCF-style: chrX-41204444-T-C.
Other names: c.1037T>C (NM_001193416.1); c.1037T>C, p.Leu346Ser (NM_001193416.3); c.989T>C, p.Leu330Ser (NM_001193417.3); c.479T>C, p.Leu160Ser (NM_001363819.1); short protein forms L160S, L330S, L346S.
Identifiers: ClinVar variation 2727763 (VCV002727763.6), dbSNP rs2519518443, ClinGen allele CA412771244.

ClinVar aggregate classification (germline): Conflicting classifications of pathogenicity. Review status: criteria provided, conflicting classifications (1 of 4 stars). 3 submissions from 3 submitters: Pathogenic (1); Likely pathogenic (1); Uncertain significance (1). Last evaluated 2026-06-06.

Conditions:
DDX3X-related disorder. Also called: DDX3X-related condition.

Submissions (3):

GeneDx
Classification: Pathogenic. Last evaluated: 2026-06-06. Review status: criteria provided, single submitter. Criteria: GeneDx Variant Classification Process June 2021. Collection method: clinical testing. Allele origin: germline.
Comment: Not observed at significant frequency in large population cohorts (gnomAD); In silico analysis supports that this missense variant has a deleterious effect on protein structure/function; Has not been previously published as pathogenic or benign to our knowledge

Labcorp Genetics (formerly Invitae), Labcorp
Classification: Uncertain significance. Last evaluated: 2024-01-31. Review status: criteria provided, single submitter. Criteria: Invitae Variant Classification Sherloc (09022015). Collection method: clinical testing. Allele origin: germline.
Comment: This sequence change replaces leucine, which is neutral and non-polar, with serine, which is neutral and polar, at codon 346 of the DDX3X protein (p.Leu346Ser). This variant is not present in population databases (gnomAD no frequency). This variant has not been reported in the literature in individuals affected with DDX3X-related conditions. Experimental studies and prediction algorithms are not available or were not evaluated, and the functional significance of this variant is currently unknown. In summary, the available evidence is currently insufficient to determine the role of this variant in disease. Therefore, it has been classified as a Variant of Uncertain Significance.

Blueprint Genetics
Classification: Likely pathogenic for DDX3X-related disorders. Last evaluated: 2023-12-22. Review status: criteria provided, single submitter. Criteria: ACMG Guidelines, 2015. Collection method: clinical testing. Allele origin: de novo. Affected: yes. Observed: 1 variant allele.